The following is an entry in ClinVar:

NM_000498.3(CYP11B2):c.79A>T (p.Arg27Ter)

Genes: CYP11B2 (cytochrome P450 family 11 subfamily B member 2; minus strand), LOC106799834 (CYP11B2 recombination region; plus strand). Cytogenetic location: 8q24.3.
Variant type: single nucleotide variant.
Coding change: c.79A>T on transcript NM_000498.3 (MANE Select); coding-DNA position 79, A replaced by T.
Protein change: p.Arg27Ter; replaces arginine 27 with a stop codon.
Molecular consequence: nonsense.
Genome position (GRCh38, 1-based): chr8:142,917,762, T>A on the plus strand (A>T on the coding strand, the complement: CYP11B2 is on the minus strand). VCF-style: chr8-142917762-T-A. GRCh37 (hg19) VCF-style: chr8-143999178-T-A.
Other names: short protein forms R27*.
Identifiers: ClinVar variation 2855321 (VCV002855321.3), dbSNP rs775284577, ClinGen allele CA372394060.

ClinVar aggregate classification (germline): Pathogenic (1 of 4 stars; one submission).

Submission:

Labcorp Genetics (formerly Invitae), Labcorp
Classification: Pathogenic. Last evaluated: 2023-04-12. Review status: criteria provided, single submitter. Criteria: Invitae Variant Classification Sherloc (09022015). Collection method: clinical testing. Allele origin: germline.
Comment: This sequence change creates a premature translational stop signal (p.Arg27*) in the CYP11B2 gene. It is expected to result in an absent or disrupted protein product. Loss-of-function variants in CYP11B2 are known to be pathogenic (PMID: 20494601, 22801770, 26936515). This variant is not present in population databases (gnomAD no frequency). This variant has not been reported in the literature in individuals affected with CYP11B2-related conditions. For these reasons, this variant has been classified as Pathogenic.

Literature cited by the submitters: PubMed 20494601; PubMed 22801770; PubMed 26936515.